The following is an entry in ClinVar:

ClinVar aggregate classification (germline): Uncertain significance (1 of 4 stars; one submission).

Conditions:
PKD1-related disorder. Also called: PKD1-related condition.

gnomAD v4.1: 3 of 1,610,150 alleles (0.00019%); highest among the groups gnomAD compares: Non-Finnish European, 0.00025%; no homozygotes.

Submission:

PreventionGenetics, part of Exact Sciences
Classification: Uncertain significance for PKD1-related condition. Last evaluated: 2025-04-10. Review status: criteria provided, single submitter. Criteria: ACMG Guidelines, 2015. Collection method: clinical testing. Allele origin: germline.
Comment: The PKD1 c.8919C>G variant is predicted to result in the amino acid substitution p.His2973Gln. To our knowledge, this variant has not been reported in the literature. This variant is reported in 0.00089% of alleles in individuals of European (Non-Finnish) descent in gnomAD. At this time, the clinical significance of the c.8919C>G (p.His2973Gln) variant is uncertain due to the absence of conclusive functional and genetic evidence.

NM_001009944.3(PKD1):c.8919C>G (p.His2973Gln)

Gene: PKD1 (polycystin 1, transient receptor potential channel interacting; minus strand). Cytogenetic location: 16p13.3.
Variant type: single nucleotide variant.
Coding change: c.8919C>G on transcript NM_001009944.3 (MANE Select); coding-DNA position 8919, C replaced by G.
Protein change: p.His2973Gln; replaces histidine 2973 with glutamine.
Molecular consequence: missense variant.
Genome position (GRCh38, 1-based): chr16:2,102,843, G>C on the plus strand (C>G on the coding strand, the complement: PKD1 is on the minus strand). VCF-style: chr16-2102843-G-C. GRCh37 (hg19) VCF-style: chr16-2152844-G-C.
Other names: c.8919C>G, p.His2973Gln (NM_000296.4); short protein forms H2973Q.
Identifiers: ClinVar variation 4988689 (VCV004988689.1).